The following is an entry in ClinVar:

ClinVar aggregate classification (germline): Uncertain significance. Review status: criteria provided, multiple submitters, no conflicts (2 of 4 stars). 2 submissions from 2 submitters: Uncertain significance (2). Last evaluated 2026-01-13.

Conditions:
Bohring-Opitz syndrome. Also called: C-LIKE SYNDROME; BOHRING SYNDROME; OPITZ TRIGONOCEPHALY-LIKE SYNDROME; ASXL1-Related Bohring-Opitz Syndrome. Identifiers: Orphanet 97297, MedGen C0796232, MONDO:0011510, OMIM 605039.

Submissions (2):

Labcorp Genetics (formerly Invitae), Labcorp
Classification: Uncertain significance. Last evaluated: 2026-01-13. Review status: criteria provided, single submitter. Criteria: Invitae Variant Classification Sherloc (09022015). Collection method: clinical testing. Allele origin: germline.
Comment: This sequence change replaces serine, which is neutral and polar, with proline, which is neutral and non-polar, at codon 1428 of the ASXL1 protein (p.Ser1428Pro). Information on the frequency of this variant in the gnomAD database is not available, as this variant may be reported differently in the database. This variant has not been reported in the literature in individuals affected with ASXL1-related conditions. ClinVar contains an entry for this variant (Variation ID: 1394013). Experimental studies and prediction algorithms are not available or were not evaluated, and the functional significance of this variant is currently unknown. In summary, the available evidence is currently insufficient to determine the role of this variant in disease. Therefore, it has been classified as a Variant of Uncertain Significance.

Institute of Human Genetics, University Hospital of Duesseldorf
Classification: Uncertain significance for Bohring-Opitz syndrome. Review status: criteria provided, single submitter. Criteria: ACMG Guidelines, 2015. Collection method: not provided. Allele origin: germline. Inheritance: Autosomal dominant inheritance. Affected: yes.

NM_015338.6(ASXL1):c.4281_4282delinsGC (p.Ser1428Pro)

Gene: ASXL1 (ASXL transcriptional regulator 1; plus strand). Cytogenetic location: 20q11.21.
Variant type: Indel.
Coding change: c.4281_4282delinsGC on transcript NM_015338.6 (MANE Select); coding-DNA positions 4281 to 4282, TT replaced by GC.
Protein change: p.Ser1428Pro; replaces serine 1428 with proline.
Molecular consequence: missense variant.
Genome position (GRCh38, 1-based): chr20:32,436,993-32,436,994, TT replaced by GC. VCF-style: chr20-32436993-TT-GC. GRCh37 (hg19) VCF-style: chr20-31024796-TT-GC.
Other names: c.4098_4099delinsGC, p.Ser1367Pro (NM_001363734.1); short protein forms S1367P, S1428P.
Identifiers: ClinVar variation 1394013 (VCV001394013.7), dbSNP rs2145394485, ClinGen allele CA2573156972.